The following is an entry in ClinVar:

NM_000458.4(HNF1B):c.810-17C>T

Gene: HNF1B (HNF1 homeobox B; minus strand). Cytogenetic location: 17q12.
Variant type: single nucleotide variant.
Coding change: c.810-17C>T on transcript NM_000458.4 (MANE Select); 17 bases into the intron before coding-DNA position 810, C replaced by T.
Molecular consequence: intron variant.
Genome position (GRCh38, 1-based): chr17:37,731,847, G>A on the plus strand (C>T on the coding strand, the complement: HNF1B is on the minus strand). VCF-style: chr17-37731847-G-A. GRCh37 (hg19) VCF-style: chr17-36091838-G-A.
Other names: c.732-17C>T (NM_001304286.2, NM_001165923.4).
Identifiers: ClinVar variation 256210 (VCV000256210.5), dbSNP rs759382717, ClinGen allele CA8518980.

ClinVar aggregate classification (germline): Likely benign. Review status: criteria provided, multiple submitters, no conflicts (2 of 4 stars). 3 submissions from 3 submitters: Likely benign (3). Last evaluated 2024-04-17.

Conditions:
Maturity-onset diabetes of the young (MODY). Also called: Maturity onset diabetes mellitus in young. Identifiers: Orphanet 552, MedGen C0342276, MONDO:0018911, HP:0004904.

Allele frequency attached by ClinVar (database versions not stated): gnomAD exomes below 0.00001; ExAC 0.00001; gnomAD 0.00001; TOPMed 0.00001.
gnomAD v4.1: 2 of 1,578,164 alleles (0.00013%); highest among the groups gnomAD compares: African/African-American, 0.0027%; no homozygotes.

Submissions (3):

Labcorp Genetics (formerly Invitae), Labcorp
Classification: Likely benign. Last evaluated: 2024-04-17. Review status: criteria provided, single submitter. Criteria: Invitae Variant Classification Sherloc (09022015). Collection method: clinical testing. Allele origin: germline.

Clinical Genomics, Uppaluri K&H Personalized Medicine Clinic
Classification: Likely benign for Maturity-onset diabetes of the young. Review status: criteria provided, single submitter. Criteria: K & H Uppaluri Personalized Medicine Clinic Variant Classification & Assertion Criteria_Updated V.1. Collection method: research. Allele origin: unknown. Inheritance: Autosomal dominant inheritance.
Comment: HNF1B gene mutations are associated with early onset diabetes and pancreatic atrophy. It is also associated with multiple renal manifestations including renal cysts, Tubulointerstitial disease, glomerulocystic disease, renal hypoplasia, hypomagnesemia. However no sufficient evidence is found to ascertain the role of this particular variant rs759382717, yet.

PreventionGenetics, part of Exact Sciences
Classification: Likely benign. Review status: criteria provided, single submitter. Criteria: ACMG Guidelines, 2015. Collection method: clinical testing. Allele origin: germline.

Literature cited by the submitters: PubMed 24897035 (cited by Clinical Genomics, Uppaluri K&H Personalized Medicine Clinic); PubMed 25536396 (cited by Clinical Genomics, Uppaluri K&H Personalized Medicine Clinic); PubMed 27615128 (cited by Clinical Genomics, Uppaluri K&H Personalized Medicine Clinic); PubMed 28215227 (cited by Clinical Genomics, Uppaluri K&H Personalized Medicine Clinic); PubMed 33434175 (cited by Clinical Genomics, Uppaluri K&H Personalized Medicine Clinic); PubMed 25741167 (cited by Clinical Genomics, Uppaluri K&H Personalized Medicine Clinic); PubMed 26340261 (cited by Clinical Genomics, Uppaluri K&H Personalized Medicine Clinic); PubMed 19639018 (cited by Clinical Genomics, Uppaluri K&H Personalized Medicine Clinic).